The following is an entry in ClinVar:

ClinVar aggregate classification (germline): Uncertain significance (1 of 4 stars; one submission).

gnomAD v4.1: 2 of 1,614,128 alleles (0.00012%); highest among the groups gnomAD compares: Non-Finnish European, 0.00017%; no homozygotes.

Submission:

Women's Health and Genetics/Laboratory Corporation of America, LabCorp
Classification: Uncertain significance. Last evaluated: 2025-07-11. Review status: criteria provided, single submitter. Criteria: LabCorp Variant Classification Summary - May 2015. Collection method: clinical testing. Allele origin: germline.
Comment: Variant summary: PLA2G6 c.691G>C (p.Gly231Arg) results in a non-conservative amino acid change in the encoded protein sequence. Algorithms developed to predict the effect of missense changes on protein structure and function are either unavailable or do not agree on the potential impact of this missense change. The variant was absent in 251186 control chromosomes. c.691G>C has been reported in the literature in individuals affected with infantile neuroaxonal dystrophy or Parkinson's disease (Illingworth_2014, Chen_2022, Sun_2023). These data indicate that the variant may be associated with disease. To our knowledge, no experimental evidence demonstrating an impact on protein function has been reported. The following publications have been ascertained in the context of this evaluation (PMID: 35861376, 24745848, 37198191). ClinVar contains an entry for this variant (Variation ID: 3895943). Based on the evidence outlined above, the variant was classified as VUS-possibly pathogenic.

Literature cited by the submitters: PubMed 24745848; PubMed 35861376; PubMed 37198191.

NM_003560.4(PLA2G6):c.691G>C (p.Gly231Arg)

Gene: PLA2G6 (phospholipase A2 group VI; minus strand). Cytogenetic location: 22q13.1.
Variant type: single nucleotide variant.
Coding change: c.691G>C on transcript NM_003560.4 (MANE Select); coding-DNA position 691, G replaced by C.
Protein change: p.Gly231Arg; replaces glycine 231 with arginine.
Molecular consequence: missense variant. On other transcripts: intron variant (1).
Genome position (GRCh38, 1-based): chr22:38,140,088, C>G on the plus strand (G>C on the coding strand, the complement: PLA2G6 is on the minus strand). VCF-style: chr22-38140088-C-G. GRCh37 (hg19) VCF-style: chr22-38536095-C-G.
Other names: c.691G>C, p.Gly231Arg (NM_001004426.3, NM_001199562.3, NM_001349864.2 and 2 more transcripts); c.157G>C, p.Gly53Arg (NM_001349867.2, NM_001349869.2); c.119+3017G>C (NM_001349868.2); short protein forms G231R, G53R.
Identifiers: ClinVar variation 3895943 (VCV003895943.2).